The following is an entry in ClinVar:

ClinVar aggregate classification (germline): Likely benign. Review status: criteria provided, multiple submitters, no conflicts (2 of 4 stars). 3 submissions from 3 submitters: Likely benign (3). Last evaluated 2026-04-20.

Conditions:
NEUROD2-related disorder. Also called: NEUROD2-related condition.

gnomAD v4.1: 205 of 1,556,192 alleles (0.013%); highest among the groups gnomAD compares: African/African-American, 0.26%; no homozygotes.

Submissions (3):

PreventionGenetics, part of Exact Sciences
Classification: Likely benign for NEUROD2-related condition. Last evaluated: 2026-04-20. Review status: criteria provided, single submitter. Criteria: ACMG Guidelines, 2015. Collection method: clinical testing. Allele origin: germline.
Comment: This variant is classified as likely benign based on ACMG/AMP sequence variant interpretation guidelines (Richards et al. 2015 PMID: 25741868, with internal and published modifications).

CeGaT Center for Human Genetics Tuebingen
Classification: Likely benign. Last evaluated: 2024-12-01. Review status: criteria provided, single submitter. Criteria: CeGaT Center For Human Genetics Tuebingen Variant Classification Criteria Version 2. Collection method: clinical testing. Allele origin: germline. Affected: yes. Observed: 1 variant allele.
Comment: NEUROD2: PP2, PP3, BS2

Blueprint Genetics
Classification: Likely benign. Last evaluated: 2023-05-09. Review status: criteria provided, single submitter. Criteria: ACMG Guidelines, 2015. Collection method: clinical testing. Allele origin: germline.

NM_006160.4(NEUROD2):c.216G>T (p.Glu72Asp)

Gene: NEUROD2 (neuronal differentiation 2; minus strand). Cytogenetic location: 17q12.
Variant type: single nucleotide variant.
Coding change: c.216G>T on transcript NM_006160.4 (MANE Select); coding-DNA position 216, G replaced by T.
Protein change: p.Glu72Asp; replaces glutamic acid 72 with aspartic acid.
Molecular consequence: missense variant.
Genome position (GRCh38, 1-based): chr17:39,606,384, C>A on the plus strand (G>T on the coding strand, the complement: NEUROD2 is on the minus strand). VCF-style: chr17-39606384-C-A. GRCh37 (hg19) VCF-style: chr17-37762637-C-A.
Other names: c.216G>T (NM_006160.3); short protein forms E72D.
Identifiers: ClinVar variation 3770884 (VCV003770884.15).